The following is an entry in ClinVar:

ClinVar aggregate classification (germline): Conflicting classifications of pathogenicity. Review status: criteria provided, conflicting classifications (1 of 4 stars). 3 submissions from 3 submitters: Uncertain significance (2); Likely benign (1). Last evaluated 2025-03-07.

Conditions:
Cardiovascular phenotype. Identifiers: MedGen CN230736.
Long QT syndrome (LQTS). Identifiers: MedGen C0023976, MeSH D008133, MONDO:0002442. Disease mechanism: loss of function. Inheritance: Various modes of inheritance.

Allele frequency attached by ClinVar (database versions not stated): ExAC 0.00003; gnomAD 0.00003 and 0.00004; TOPMed 0.00003.
gnomAD v4.1: 69 of 1,614,046 alleles (0.0043%); highest among the groups gnomAD compares: Non-Finnish European, 0.0036%; no homozygotes.

Submissions (3):

Labcorp Genetics (formerly Invitae), Labcorp
Classification: Uncertain significance for Long QT syndrome. Last evaluated: 2025-03-07. Review status: criteria provided, single submitter. Criteria: Invitae Variant Classification Sherloc (09022015). Collection method: clinical testing. Allele origin: germline.
Comment: This sequence change replaces tryptophan, which is neutral and slightly polar, with glycine, which is neutral and non-polar, at codon 3222 of the AKAP9 protein (p.Trp3222Gly). The frequency data for this variant in the population databases is considered unreliable, as metrics indicate poor data quality at this position in the gnomAD database. This variant has not been reported in the literature in individuals affected with AKAP9-related conditions. ClinVar contains an entry for this variant (Variation ID: 519496). An algorithm developed to predict the effect of missense changes on protein structure and function (PolyPhen-2) suggests that this variant is likely to be disruptive. In summary, the available evidence is currently insufficient to determine the role of this variant in disease. Therefore, it has been classified as a Variant of Uncertain Significance.

Blueprint Genetics
Classification: Likely benign. Last evaluated: 2024-07-29. Review status: criteria provided, single submitter. Criteria: ACMG Guidelines, 2015. Collection method: clinical testing. Allele origin: germline.

Ambry Genetics
Classification: Uncertain significance for Cardiovascular phenotype. Last evaluated: 2024-02-27. Review status: criteria provided, single submitter. Criteria: Ambry Variant Classification Scheme 2023. Collection method: clinical testing. Allele origin: germline.
Comment: The p.W3222G variant (also known as c.9664T>G), located in coding exon 40 of the AKAP9 gene, results from a T to G substitution at nucleotide position 9664. The tryptophan at codon 3222 is replaced by glycine, an amino acid with highly dissimilar properties. This amino acid position is highly conserved in available vertebrate species. In addition, this alteration is predicted to be tolerated by in silico analysis. The evidence for this gene-disease relationship is limited; therefore, the clinical significance of this alteration is unclear.

NM_005751.5(AKAP9):c.9664T>G (p.Trp3222Gly)

Gene: AKAP9 (A-kinase anchoring protein 9; plus strand). Cytogenetic location: 7q21.2.
Variant type: single nucleotide variant.
Coding change: c.9664T>G on transcript NM_005751.5 (MANE Select); coding-DNA position 9664, T replaced by G.
Protein change: p.Trp3222Gly; replaces tryptophan 3222 with glycine.
Molecular consequence: missense variant.
Genome position (GRCh38, 1-based): chr7:92,095,108, T>G. VCF-style: chr7-92095108-T-G. GRCh37 (hg19) VCF-style: chr7-91724422-T-G.
Other names: c.4309T>G, p.Trp1437Gly (NM_001379277.1); c.9640T>G, p.Trp3214Gly (NM_147185.3); short protein forms W3222G, W3214G, W1437G.
Identifiers: ClinVar variation 519496 (VCV000519496.14), dbSNP rs765533928, ClinGen allele CA4337814.